The following is an entry in ClinVar:

ClinVar aggregate classification (germline): Uncertain significance (1 of 4 stars; one submission).

Allele frequency attached by ClinVar (database versions not stated): ESP Exome Variant Server 0.00008.
gnomAD v4.1: 2 of 1,609,286 alleles (0.00012%); highest among the groups gnomAD compares: African/African-American, 0.0027%; no homozygotes.

Submission:

Labcorp Genetics (formerly Invitae), Labcorp
Classification: Uncertain significance. Last evaluated: 2024-10-14. Review status: criteria provided, single submitter. Criteria: Invitae Variant Classification Sherloc (09022015). Collection method: clinical testing. Allele origin: germline.
Comment: This sequence change replaces isoleucine, which is neutral and non-polar, with leucine, which is neutral and non-polar, at codon 696 of the RIMS1 protein (p.Ile696Leu). This variant is present in population databases (rs201709343, gnomAD 0.01%). This variant has not been reported in the literature in individuals affected with RIMS1-related conditions. ClinVar contains an entry for this variant (Variation ID: 1376107). An algorithm developed to predict the effect of missense changes on protein structure and function (PolyPhen-2) suggests that this variant is likely to be disruptive. In summary, the available evidence is currently insufficient to determine the role of this variant in disease. Therefore, it has been classified as a Variant of Uncertain Significance.

NM_014989.7(RIMS1):c.2086A>C (p.Ile696Leu)

Gene: RIMS1 (regulating synaptic membrane exocytosis 1; plus strand). Cytogenetic location: 6q13.
Variant type: single nucleotide variant.
Coding change: c.2086A>C on transcript NM_014989.7 (MANE Select); coding-DNA position 2086, A replaced by C.
Protein change: p.Ile696Leu; replaces isoleucine 696 with leucine.
Molecular consequence: missense variant.
Genome position (GRCh38, 1-based): chr6:72,245,819, A>C. VCF-style: chr6-72245819-A-C. GRCh37 (hg19) VCF-style: chr6-72955522-A-C.
Other names: c.508A>C, p.Ile170Leu (NM_001168407.2, NM_001168408.2, NM_001350425.2 and 37 more transcripts); c.265A>C, p.Ile89Leu (NM_001168409.2, NM_001350464.2, NM_001350465.2 and 6 more transcripts); c.463A>C, p.Ile155Leu (NM_001168410.2, NM_001350470.2, NM_001350472.2 and 2 more transcripts); c.439A>C, p.Ile147Leu (NM_001350424.2, NM_001350428.2, NM_001350430.2 and 6 more transcripts); short protein forms I155L, I147L, I696L, I89L, I170L.
Identifiers: ClinVar variation 1376107 (VCV001376107.6), dbSNP rs201709343, ClinGen allele CA3885889.